The following is an entry in ClinVar:

ClinVar aggregate classification (germline): Benign/Likely benign. Review status: criteria provided, multiple submitters, no conflicts (2 of 4 stars). 7 submissions from 7 submitters: Benign (4); Likely benign (3). Last evaluated 2026-04-22.

Conditions:
Colorectal cancer, susceptibility to, 1. Also called: COLORECTAL ADENOMA AND CANCER, SUSCEPTIBILITY TO; COLORECTAL CANCER, SUSCEPTIBILITY TO, ON CHROMOSOME 9. Identifiers: MedGen C1837315, MONDO:0012132, OMIM 608812.

Allele frequency attached by ClinVar (database versions not stated): ESP Exome Variant Server 0.01207; 1000 Genomes Project 0.01078; gnomAD exomes 0.00296 and 0.00109; ExAC 0.00365; 1000 Genomes Project 30x 0.01156; gnomAD 0.01050 and 0.01136; TOPMed 0.01177.

Submissions (7):

Myriad Genetics, Inc.
Classification: Likely benign for Colorectal cancer, susceptibility to, 1. Last evaluated: 2026-04-22. Review status: criteria provided, single submitter. Criteria: Myriad Autosomal Dominant, Autosomal Recessive and X-Linked Classification Criteria (2023). Collection method: clinical testing. Allele origin: unknown.
Comment: This variant is considered likely benign. This variant is intronic and is not expected to impact mRNA splicing.

Labcorp Genetics (formerly Invitae), Labcorp
Classification: Benign. Last evaluated: 2026-01-29. Review status: criteria provided, single submitter. Criteria: Invitae Variant Classification Sherloc (09022015). Collection method: clinical testing. Allele origin: germline.

Quest Diagnostics Nichols Institute San Juan Capistrano
Classification: Benign. Last evaluated: 2025-08-29. Review status: criteria provided, single submitter. Criteria: Quest Diagnostics criteria. Collection method: clinical testing. Allele origin: unknown.

Fulgent Genetics
Classification: Likely benign for Colorectal cancer, susceptibility to, 1. Last evaluated: 2022-05-13. Review status: criteria provided, single submitter. Criteria: ACMG Guidelines, 2015. Collection method: clinical testing. Allele origin: unknown.

Department of Pathology and Laboratory Medicine, Sinai Health System
Classification: Benign for colorectal cancer, susceptibility to, 1. Last evaluated: 2022-01-05. Review status: criteria provided, single submitter. Criteria: ACMG Guidelines, 2015. Collection method: clinical testing. Allele origin: germline. Affected: yes.

GeneDx
Classification: Likely benign. Last evaluated: 2021-03-12. Review status: criteria provided, single submitter. Criteria: GeneDx Variant Classification Process June 2021. Collection method: clinical testing. Allele origin: germline. Affected: yes.

Ambry Genetics
Classification: Benign. Last evaluated: 2016-09-21. Review status: criteria provided, single submitter. Criteria: Ambry Variant Classification Scheme 2023. Collection method: clinical testing. Allele origin: germline.

NM_024642.5(GALNT12):c.1605+4G>A

Gene: GALNT12 (polypeptide N-acetylgalactosaminyltransferase 12; plus strand). Cytogenetic location: 9q22.33.
Variant type: single nucleotide variant.
Coding change: c.1605+4G>A on transcript NM_024642.5 (MANE Select); 4 bases into the intron after coding-DNA position 1605, G replaced by A.
Molecular consequence: intron variant.
Genome position (GRCh38, 1-based): chr9:98,846,127, G>A. VCF-style: chr9-98846127-G-A. GRCh37 (hg19) VCF-style: chr9-101608409-G-A.
Identifiers: ClinVar variation 416221 (VCV000416221.21), dbSNP rs79574929, ClinGen allele CA5154321.